The following is an entry in ClinVar:

NM_015846.4(MBD1):c.792+170C>T

Gene: MBD1 (methyl-CpG binding domain protein 1; minus strand). Cytogenetic location: 18q21.1.
Variant type: single nucleotide variant.
Coding change: c.792+170C>T on transcript NM_015846.4 (MANE Select); 170 bases into the intron after coding-DNA position 792, C replaced by T.
Molecular consequence: intron variant. On other transcripts: synonymous variant (51).
Genome position (GRCh38, 1-based): chr18:50,275,430, G>A on the plus strand (C>T on the coding strand, the complement: MBD1 is on the minus strand). VCF-style: chr18-50275430-G-A. GRCh37 (hg19) VCF-style: chr18-47801800-G-A.
Other names: c.807C>T, p.Arg269= (NM_001204137.2, NM_001204138.2, NM_001204140.2 and 41 more transcripts); c.300C>T, p.Arg100= (NM_001323949.2, NM_001399959.1, NM_001399965.1); c.885C>T, p.Arg295= (NM_001399880.1); c.660C>T, p.Arg220= (NM_001399917.1, NM_001399929.1, NM_001399955.1); c.645+170C>T (NM_001399961.1, NM_001204141.2, NM_001399938.1 and 2 more transcripts); c.717+170C>T (NM_001399909.1, NM_001399924.1, NM_001323952.2 and 2 more transcripts); c.792+170C>T (NM_001399960.1, NM_001399908.1, NM_001388167.1 and 70 more transcripts); c.285+170C>T (NM_001323953.2, NM_001399973.1, NM_001399971.1 and 8 more transcripts); and 1 more.
Identifiers: ClinVar variation 3060260 (VCV003060260.2), dbSNP rs140690, ClinGen allele CA8963037.

ClinVar aggregate classification (germline): Benign (0 of 4 stars; one submission).

Conditions:
MBD1-related disorder. Also called: MBD1-related condition.

Allele frequency attached by ClinVar (database versions not stated): 1000 Genomes Project 0.20347; 1000 Genomes Project 30x 0.20675; TOPMed 0.26415; gnomAD 0.28169; ESP Exome Variant Server 0.30857; ExAC 0.32888; gnomAD exomes 0.34929.
gnomAD v4.1: 547,312 of 1,600,230 alleles (34%); highest among the groups gnomAD compares: Non-Finnish European, 38%; 98,782 homozygotes.

Submission:

PreventionGenetics, part of Exact Sciences
Classification: Benign for MBD1-related condition. Last evaluated: 2019-10-21. Review status: no assertion criteria provided. Collection method: clinical testing. Allele origin: germline.
Comment: This variant is classified as benign based on ACMG/AMP sequence variant interpretation guidelines (Richards et al. 2015 PMID: 25741868, with internal and published modifications).